The following is an entry in ClinVar:

ClinVar aggregate classification (germline): Conflicting classifications of pathogenicity. Review status: criteria provided, conflicting classifications (1 of 4 stars). 4 submissions from 4 submitters: Uncertain significance (2); Benign (1); Likely benign (1). Last evaluated 2025-08-20.

Conditions:
Cardiovascular phenotype. Identifiers: MedGen CN230736.
Brugada syndrome 4 (BRGDA4). Identifiers: Orphanet 130, MedGen C2678477, MONDO:0012743, OMIM 611876.

Allele frequency attached by ClinVar (database versions not stated): ExAC 0.00003; TOPMed 0.00008; gnomAD exomes 0.00010; gnomAD 0.00028 and 0.00029; 1000 Genomes Project 30x 0.00031; 1000 Genomes Project 0.00040.
gnomAD v4.1: 84 of 1,613,590 alleles (0.0052%); highest among the groups gnomAD compares: Admixed American, 0.1%; 1 homozygote.

Submissions (4):

Ambry Genetics
Classification: Likely benign for Cardiovascular phenotype. Last evaluated: 2025-08-20. Review status: criteria provided, single submitter. Criteria: Ambry Variant Classification Scheme 2023. Collection method: clinical testing. Allele origin: germline.

Labcorp Genetics (formerly Invitae), Labcorp
Classification: Uncertain significance for Brugada syndrome 4. Last evaluated: 2025-05-25. Review status: criteria provided, single submitter. Criteria: Invitae Variant Classification Sherloc (09022015). Collection method: clinical testing. Allele origin: germline.
Comment: This sequence change replaces alanine, which is neutral and non-polar, with threonine, which is neutral and polar, at codon 269 of the CACNB2 protein (p.Ala269Thr). This variant is present in population databases (rs561197163, gnomAD 0.06%), and has an allele count higher than expected for a pathogenic variant. This variant has not been reported in the literature in individuals affected with CACNB2-related conditions. ClinVar contains an entry for this variant (Variation ID: 537373). Invitae Evidence Modeling of protein sequence and biophysical properties (such as structural, functional, and spatial information, amino acid conservation, physicochemical variation, residue mobility, and thermodynamic stability) has been performed for this missense variant. However, the output from this modeling did not meet the statistical confidence thresholds required to predict the impact of this variant on CACNB2 protein function. In summary, the available evidence is currently insufficient to determine the role of this variant in disease. Therefore, it has been classified as a Variant of Uncertain Significance.

Women's Health and Genetics/Laboratory Corporation of America, LabCorp
Classification: Benign. Last evaluated: 2020-09-08. Review status: criteria provided, single submitter. Criteria: LabCorp Variant Classification Summary - May 2015. Collection method: clinical testing. Allele origin: germline.
Comment: Variant summary: CACNB2 c.805G>A (p.Ala269Thr) results in a non-conservative amino acid change in the encoded protein sequence. Three of five in-silico tools predict a damaging effect of the variant on protein function. The variant allele was found at a frequency of 0.0001 in 251284 control chromosomes in the gnomAD database, including 1 homozygote. The observed variant frequency is approximately 33-fold the estimated maximal expected allele frequency for a pathogenic variant in CACNB2 causing Brugada Syndrome phenotype (3.1e-06), strongly suggesting that the variant is benign. To our knowledge, no occurrence of c.805G>A in individuals affected with Brugada Syndrome and no experimental evidence demonstrating its impact on protein function have been reported. Two other clinical diagnostic laboratories have submitted clinical-significance assessments for this variant to ClinVar after 2014 without evidence for independent evaluation. Both laboratories classified the variant as uncertain significance. Based on the evidence outlined above, the variant was classified as benign.

Centre for Mendelian Genomics, University Medical Centre Ljubljana
Classification: Uncertain significance for Brugada syndrome 4. Last evaluated: 2019-11-18. Review status: criteria provided, single submitter. Criteria: ACMG Guidelines, 2015. Collection method: clinical testing. Allele origin: unknown. Affected: yes.
Comment: This variant was classified as: Uncertain significance. The available evidence on this variant's pathogenicity is insufficient or conflicting. The following ACMG criteria were applied in classifying this variant: PP3,BP1.

NM_201596.3(CACNB2):c.967G>A (p.Ala323Thr)

Gene: CACNB2 (calcium voltage-gated channel auxiliary subunit beta 2; plus strand). Cytogenetic location: 10p12.31.
Variant type: single nucleotide variant.
Coding change: c.967G>A on transcript NM_201596.3 (MANE Select); coding-DNA position 967, G replaced by A.
Protein change: p.Ala323Thr; replaces alanine 323 with threonine.
Molecular consequence: missense variant.
Genome position (GRCh38, 1-based): chr10:18,527,610, G>A. VCF-style: chr10-18527610-G-A. GRCh37 (hg19) VCF-style: chr10-18816539-G-A.
Other names: c.802G>A, p.Ala268Thr (NM_000724.4); c.769G>A, p.Ala257Thr (NM_001167945.2); c.688G>A, p.Ala230Thr (NM_001330060.2); c.823G>A, p.Ala275Thr (NM_201570.3); c.883G>A, p.Ala295Thr (NM_201571.4); c.811G>A, p.Ala271Thr (NM_201572.4); c.805G>A, p.Ala269Thr (NM_201590.3); c.853G>A, p.Ala285Thr (NM_201593.3); and 1 more; short protein forms A323T, A269T, A295T, A299T, A230T, A268T, A275T, A285T.
Identifiers: ClinVar variation 537373 (VCV000537373.14), dbSNP rs561197163, ClinGen allele CA5429860.
Genomic context (GRCh38, chr10:18,527,610, plus strand): 5'-ATAACCTTAAGGTCTTCTGTGACTTTTTCCTCCAACAGGATATCCATCACAAGGGTCACC[G>A]CTGACATCTCGCTTGCCAAACGCTCGGTATTAAACAATCCCAGTAAGCACGCAATAATAG-3'
Protein context (NP_963890.2, residues 313-333): EGRISITRVT[Ala323Thr]DISLAKRSVL